The following is an entry in ClinVar:

NM_001004466.2(OR10H5):c.297T>C (p.Ser99=)

Gene: OR10H5 (olfactory receptor family 10 subfamily H member 5; plus strand). Cytogenetic location: 19p13.12.
Variant type: single nucleotide variant.
Coding change: c.297T>C on transcript NM_001004466.2 (MANE Select); coding-DNA position 297, T replaced by C.
Protein change: p.Ser99=; no amino-acid change (serine 99 retained).
Molecular consequence: synonymous variant.
Genome position (GRCh38, 1-based): chr19:15,794,345, T>C. VCF-style: chr19-15794345-T-C. GRCh37 (hg19) VCF-style: chr19-15905155-T-C.
Identifiers: ClinVar variation 2649499 (VCV002649499.24), dbSNP rs148732323, ClinGen allele CA9273056.

ClinVar aggregate classification (germline): Likely benign (1 of 4 stars; one submission).

Allele frequency attached by ClinVar (database versions not stated): 1000 Genomes Project 0.00060; 1000 Genomes Project 30x 0.00062; ExAC 0.00068; gnomAD 0.00078; TOPMed 0.00098; ESP Exome Variant Server 0.00115; gnomAD exomes 0.00143.
gnomAD v4.1: 2,206 of 1,614,112 alleles (0.14%); highest among the groups gnomAD compares: Non-Finnish European, 0.17%; 3 homozygotes.

Submission:

CeGaT Center for Human Genetics Tuebingen
Classification: Likely benign. Last evaluated: 2022-12-01. Review status: criteria provided, single submitter. Criteria: CeGaT Center For Human Genetics Tuebingen Variant Classification Criteria Version 2. Collection method: clinical testing. Allele origin: germline. Affected: yes. Observed: 1 variant allele.
Comment: OR10H5: BP4, BP7